The following is an entry in ClinVar:

NM_001042492.3(NF1):c.1793A>C (p.Lys598Thr)

Gene: NF1 (neurofibromin 1; plus strand). Cytogenetic location: 17q11.2.
Variant type: single nucleotide variant.
Coding change: c.1793A>C on transcript NM_001042492.3 (MANE Select); coding-DNA position 1793, A replaced by C.
Protein change: p.Lys598Thr; replaces lysine 598 with threonine.
Molecular consequence: missense variant.
Genome position (GRCh38, 1-based): chr17:31,223,515, A>C. VCF-style: chr17-31223515-A-C. GRCh37 (hg19) VCF-style: chr17-29550533-A-C.
Other names: c.1793A>C, p.Lys598Thr (NM_000267.4); short protein forms K598T.
Identifiers: ClinVar variation 939835 (VCV000939835.6), dbSNP rs2066963397, ClinGen allele CA399004373.

ClinVar aggregate classification (germline): Uncertain significance (1 of 4 stars; one submission).

Conditions:
Neurofibromatosis, type 1 (NF1). Also called: Peripheral type neurofibromatosis; VON RECKLINGHAUSEN DISEASE; Neurofibromatosis, type I; NEUROFIBROMATOSIS, TYPE I, SOMATIC. Identifiers: Orphanet 636, MedGen C0027831, MONDO:0018975, OMIM 162200. Disease mechanism: loss of function.

Submission:

Labcorp Genetics (formerly Invitae), Labcorp
Classification: Uncertain significance for Neurofibromatosis, type 1. Last evaluated: 2019-07-23. Review status: criteria provided, single submitter. Criteria: Invitae Variant Classification Sherloc (09022015). Collection method: clinical testing. Allele origin: germline.
Comment: In summary, the available evidence is currently insufficient to determine the role of this variant in disease. Therefore, it has been classified as a Variant of Uncertain Significance. Algorithms developed to predict the effect of missense changes on protein structure and function are either unavailable or do not agree on the potential impact of this missense change (SIFT: "Tolerated"; PolyPhen-2: "Probably Damaging"; Align-GVGD: "Class C0"). This variant has not been reported in the literature in individuals with NF1-related conditions. This variant is not present in population databases (ExAC no frequency). This sequence change replaces lysine with threonine at codon 598 of the NF1 protein (p.Lys598Thr). The lysine residue is moderately conserved and there is a moderate physicochemical difference between lysine and threonine.